The following is an entry in ClinVar:

NM_016239.4(MYO15A):c.8410A>T (p.Lys2804Ter)

Gene: MYO15A (myosin XVA; plus strand). Cytogenetic location: 17p11.2.
Variant type: single nucleotide variant.
Coding change: c.8410A>T on transcript NM_016239.4 (MANE Select); coding-DNA position 8410, A replaced by T.
Protein change: p.Lys2804Ter; replaces lysine 2804 with a stop codon.
Molecular consequence: nonsense.
Genome position (GRCh38, 1-based): chr17:18,155,383, A>T. VCF-style: chr17-18155383-A-T. GRCh37 (hg19) VCF-style: chr17-18058697-A-T.
Other names: short protein forms K2804*.
Identifiers: ClinVar variation 4884182 (VCV004884182.2).

ClinVar aggregate classification (germline): Likely pathogenic (1 of 4 stars; one submission).

Conditions:
Autosomal recessive nonsyndromic hearing loss 3. Also called: NEUROSENSORY NONSYNDROMIC RECESSIVE DEAFNESS 3. Identifiers: Orphanet 90636, MedGen C1838263, MONDO:0010860, OMIM 600316.

Submission:

Dasa
Classification: Likely pathogenic for Autosomal recessive nonsyndromic hearing loss 3. Last evaluated: 2026-04-22. Review status: criteria provided, single submitter. Criteria: DASA Assertion Criteria. Collection method: clinical testing. Allele origin: germline.
Comment: NM_016239.4(MYO15A):c.8410A>T (p.Lys2804*) is a nonsense variant in MYO15A predicted to introduce a premature termination codon and is predicted to result in an absent or altered protein product. Loss of function is an established disease mechanism for MYO15A-associated disorders. Also, this variant is absent from population databases. Based on the currently available evidence, this variant is classified as likely pathogenic.